The following is an entry in ClinVar:

ClinVar aggregate classification (germline): Uncertain significance. Review status: criteria provided, multiple submitters, no conflicts (2 of 4 stars). 2 submissions from 2 submitters: Uncertain significance (2). Last evaluated 2025-06-18.

Allele frequency attached by ClinVar (database versions not stated): gnomAD exomes below 0.00001; TOPMed 0.00001.
gnomAD v4.1: 1 of 1,613,720 alleles (0.000062%); highest among the groups gnomAD compares: Non-Finnish European, 0.000085%; no homozygotes.

Submissions (2):

Labcorp Genetics (formerly Invitae), Labcorp
Classification: Uncertain significance. Last evaluated: 2025-06-18. Review status: criteria provided, single submitter. Criteria: Invitae Variant Classification Sherloc (09022015). Collection method: clinical testing. Allele origin: germline.
Comment: This sequence change replaces glycine, which is neutral and non-polar, with aspartic acid, which is acidic and polar, at codon 1540 of the COL11A1 protein (p.Gly1540Asp). This variant is present in population databases (no rsID available, gnomAD 0.0009%). This variant has not been reported in the literature in individuals affected with COL11A1-related conditions. ClinVar contains an entry for this variant (Variation ID: 1304346). Invitae Evidence Modeling of protein sequence and biophysical properties (such as structural, functional, and spatial information, amino acid conservation, physicochemical variation, residue mobility, and thermodynamic stability) indicates that this missense variant is not expected to disrupt COL11A1 protein function with a negative predictive value of 80%. In summary, the available evidence is currently insufficient to determine the role of this variant in disease. Therefore, it has been classified as a Variant of Uncertain Significance.

GeneDx
Classification: Uncertain significance. Last evaluated: 2018-11-24. Review status: criteria provided, single submitter. Criteria: GeneDx Variant Classification Process June 2021. Collection method: clinical testing. Allele origin: germline. Affected: yes.

NM_001854.4(COL11A1):c.4619G>A (p.Gly1540Asp)

Gene: COL11A1 (collagen type XI alpha 1 chain; minus strand). Cytogenetic location: 1p21.1.
Variant type: single nucleotide variant.
Coding change: c.4619G>A on transcript NM_001854.4 (MANE Select); coding-DNA position 4619, G replaced by A.
Protein change: p.Gly1540Asp; replaces glycine 1540 with aspartic acid.
Molecular consequence: missense variant. On other transcripts: non-coding transcript variant (1).
Genome position (GRCh38, 1-based): chr1:102,887,046, C>T on the plus strand (G>A on the coding strand, the complement: COL11A1 is on the minus strand). VCF-style: chr1-102887046-C-T. GRCh37 (hg19) VCF-style: chr1-103352602-C-T.
Other names: c.4502G>A, p.Gly1501Asp (NM_001190709.2); c.4655G>A, p.Gly1552Asp (NM_080629.3); c.4271G>A, p.Gly1424Asp (NM_080630.4); short protein forms G1424D, G1501D, G1540D, G1552D.
Identifiers: ClinVar variation 1304346 (VCV001304346.3), dbSNP rs1432536379, ClinGen allele CA341212229.